The following is an entry in ClinVar:

NM_003118.4(SPARC):c.454A>G (p.Ile152Val)

Gene: SPARC (secreted protein acidic and cysteine rich; minus strand). Cytogenetic location: 5q33.1.
Variant type: single nucleotide variant.
Coding change: c.454A>G on transcript NM_003118.4 (MANE Select); coding-DNA position 454, A replaced by G.
Protein change: p.Ile152Val; replaces isoleucine 152 with valine.
Molecular consequence: missense variant.
Genome position (GRCh38, 1-based): chr5:151,667,598, T>C on the plus strand (A>G on the coding strand, the complement: SPARC is on the minus strand). VCF-style: chr5-151667598-T-C. GRCh37 (hg19) VCF-style: chr5-151047159-T-C.
Other names: c.451A>G, p.Ile151Val (NM_001309443.2); c.454A>G, p.Ile152Val (NM_001309444.2); c.454A>G (NM_003118.2); short protein forms I152V, I151V.
Identifiers: ClinVar variation 1935716 (VCV001935716.3), dbSNP rs887258352, ClinGen allele CA129961314.

ClinVar aggregate classification (germline): Uncertain significance. Review status: criteria provided, multiple submitters, no conflicts (2 of 4 stars). 2 submissions from 2 submitters: Uncertain significance (2). Last evaluated 2024-12-09.

Conditions:
Inborn genetic diseases. Identifiers: MedGen C0950123, MeSH D030342.

Allele frequency attached by ClinVar (database versions not stated): TOPMed 0.00002; gnomAD 0.00003.

Submissions (2):

Ambry Genetics
Classification: Uncertain significance for Inborn genetic diseases. Last evaluated: 2024-12-09. Review status: criteria provided, single submitter. Criteria: Ambry Variant Classification Scheme 2023. Collection method: clinical testing. Allele origin: germline.

Labcorp Genetics (formerly Invitae), Labcorp
Classification: Uncertain significance. Last evaluated: 2022-01-11. Review status: criteria provided, single submitter. Criteria: Invitae Variant Classification Sherloc (09022015). Collection method: clinical testing. Allele origin: germline.
Comment: This sequence change replaces isoleucine, which is neutral and non-polar, with valine, which is neutral and non-polar, at codon 152 of the SPARC protein (p.Ile152Val). This variant is not present in population databases (gnomAD no frequency). This variant has not been reported in the literature in individuals affected with SPARC-related conditions. Algorithms developed to predict the effect of missense changes on protein structure and function (SIFT, PolyPhen-2, Align-GVGD) all suggest that this variant is likely to be tolerated. In summary, the available evidence is currently insufficient to determine the role of this variant in disease. Therefore, it has been classified as a Variant of Uncertain Significance.